The following is an entry in ClinVar:

NM_000260.4(MYO7A):c.631A>G (p.Ser211Gly)

Gene: MYO7A (myosin VIIA; plus strand). Cytogenetic location: 11q13.5.
Variant type: single nucleotide variant.
Coding change: c.631A>G on transcript NM_000260.4 (MANE Select); coding-DNA position 631, A replaced by G.
Protein change: p.Ser211Gly; replaces serine 211 with glycine.
Molecular consequence: missense variant.
Genome position (GRCh38, 1-based): chr11:77,156,900, A>G. VCF-style: chr11-77156900-A-G. GRCh37 (hg19) VCF-style: chr11-76867946-A-G.
Other names: c.631A>G, p.Ser211Gly (NM_001127180.2); c.598A>G, p.Ser200Gly (NM_001369365.1); short protein forms S211G, S200G.
Identifiers: ClinVar variation 43325 (VCV000043325.46), dbSNP rs111033486, ClinGen allele CA278707.

ClinVar aggregate classification (germline): Pathogenic. Review status: reviewed by expert panel (3 of 4 stars). 10 submissions from 10 submitters: Pathogenic (1). 9 of the submissions do not count toward it. Last evaluated 2024-05-01.

Conditions:
MYO7A-related disorder. Also called: MYO7A-related disorders.
Usher syndrome. Also called: Usher Syndromes; Usher's syndrome. Identifiers: Orphanet 886, MedGen CN469326, MeSH D052245, MONDO:0019501. Disease mechanism: loss of function.
Usher syndrome type 1 (USH1). Also called: RETINITIS PIGMENTOSA AND CONGENITAL DEAFNESS. Identifiers: Orphanet 231169, Orphanet 886, MedGen C1568247, MONDO:0010168, OMIM 276900.
Autosomal recessive nonsyndromic hearing loss 2. Also called: NEUROSENSORY NONSYNDROMIC RECESSIVE DEAFNESS 2; DEAFNESS, AUTOSOMAL RECESSIVE 2. Identifiers: Orphanet 90636, MedGen C1838701, MONDO:0010807, OMIM 600060.
Autosomal dominant nonsyndromic hearing loss 11. Identifiers: Orphanet 90635, MedGen C1832475, MONDO:0011032, OMIM 601317.
Usher syndrome type 1B (USH1B). Also called: Usher syndrome type IB. Identifiers: MedGen C1848638, MONDO:0700087.

Allele frequency attached by ClinVar (database versions not stated): ExAC 0.00002; gnomAD exomes 0.00002 and 0.00004; gnomAD 0.00005; TOPMed 0.00005.
gnomAD v4.1: 68 of 1,613,890 alleles (0.0042%); highest among the groups gnomAD compares: Non-Finnish European, 0.0053%; no homozygotes.

Submissions (10):

ClinGen Hearing Loss Variant Curation Expert Panel
Classification: Pathogenic for Usher syndrome. Last evaluated: 2024-05-01. Review status: reviewed by expert panel. Criteria: Clingen Hl Acmg Specifications Cdh23 Coch Gjb2 Kcnq4 Myo6 Myo7a Slc26a4 Tecta Ush2a V2. Collection method: curation. Allele origin: germline. Inheritance: Autosomal recessive inheritance.
Comment: The c.631A>G variant in MYO7A is a missense variant predicted to cause substitution of serine by glycine at amino acid 211 (p.Ser211Gly). The highest population minor allele frequency in gnomAD v4.1.0 is 0.005% (62/1179900 alleles) in the European non-Finnish population, which is lower than the ClinGen Hearing Loss threshold (<0.007%) for PM2_Supporting, meeting this criterion (PM2_Supporting). The computational predictor REVEL gives a score of 0.957, which is above the threshold of 0.7, evidence that correlates with impact to MYO7A function (PP3). This variant has been detected in at least 7 individuals with clinical features or a diagnosis of Usher syndrome. Of those individuals, 2 were homozygous, and 5 were compound heterozygous for the variant and a pathogenic or likely pathogenic variant (4.5 PM3 points, PMID:25472526 and 37466950, Laboratory for Molecular Medicine internal data, SCV000059882.6). At least one patient with this variant displayed congenital profound sensorineural hearing loss, retinitis pigmentosa, and vestibular dysfunction, which is highly specific for Usher syndrome type 1 (PP4). In summary, this variant meets the criteria to be classified as Pathogenic for autosomal recessive Usher syndrome based on the ACMG/AMP criteria applied, as specified by the ClinGen Hearing Loss VCEP: PM2_Supporting, PP3, PM3_VeryStrong, PP4. ClinGen Hearing Loss VCEP specifications version 2.0.0; 04.17.24.

PreventionGenetics, part of Exact Sciences
Classification: Pathogenic for MYO7A-related condition. Last evaluated: 2026-06-19. Review status: criteria provided, single submitter. Criteria: ACMG Guidelines, 2015. Collection method: clinical testing. Allele origin: germline. Not counted in ClinVar's aggregate classification.
Comment: The MYO7A c.631A>G variant is predicted to result in the amino acid substitution p.Ser211Gly. This variant has been reported in the homozygous and compound heterozygous states in multiple individuals with Usher syndrome, type 1B (Tables 1 & S4, Zhao et al. 2015. PubMed ID: 25472526; Table S3, Stephenson et al. 2023. PubMed ID: 37466950; Table S1, Lin et al. 2024. PubMed ID: 38219857). This variant is reported in 0.0055% of alleles in individuals of European (non-Finnish) descent in gnomAD and has been classified as pathogenic by the ClinGen Hearing Loss Variant Curation Expert Panel (Variation ID: 43325). Based on this evidence, we interpret this variant as pathogenic.

GeneDx
Classification: Likely pathogenic. Last evaluated: 2026-04-29. Review status: criteria provided, single submitter. Criteria: GeneDx Variant Classification Process June 2021. Collection method: clinical testing. Allele origin: germline. Not counted in ClinVar's aggregate classification.
Comment: In silico analysis supports that this missense variant has a deleterious effect on protein structure/function; This variant is associated with the following publications: (PMID: 37466950, 25472526, 31964843, 31816670, 38219857, 24831256)

Labcorp Genetics (formerly Invitae), Labcorp
Classification: Pathogenic. Last evaluated: 2025-12-24. Review status: criteria provided, single submitter. Criteria: Invitae Variant Classification Sherloc (09022015). Collection method: clinical testing. Allele origin: germline. Not counted in ClinVar's aggregate classification.
Comment: This sequence change replaces serine, which is neutral and polar, with glycine, which is neutral and non-polar, at codon 211 of the MYO7A protein (p.Ser211Gly). This variant is present in population databases (rs111033486, gnomAD 0.007%). This missense change has been observed in individual(s) with clinical features of autosomal recessive Usher syndrome (PMID: 25472526; internal data). ClinVar contains an entry for this variant (Variation ID: 43325). Invitae Evidence Modeling of protein sequence and biophysical properties (such as structural, functional, and spatial information, amino acid conservation, physicochemical variation, residue mobility, and thermodynamic stability) indicates that this missense variant is expected to disrupt MYO7A protein function with a positive predictive value of 95%. For these reasons, this variant has been classified as Pathogenic.

Natera, Inc.
Classification: Likely pathogenic for Usher syndrome type 1B. Last evaluated: 2025-09-02. Review status: criteria provided, single submitter. Criteria: Natera Variant Classification Schema (03/2026). Collection method: clinical testing. Allele origin: germline. Not counted in ClinVar's aggregate classification.
Comment: The c.631A>G variant in MYO7A is a missense variant predicted to cause substitution of serine to glycine at amino acid 211. This variant is rare in the general population with a frequency below the threshold expected for the associated phenotype(s). This variant has been observed in one or more individuals affected with the associated recessive disease, as either homozygous or compound heterozygous with a second variant (PMID: 25472526, 38219857). Computational prediction algorithms indicate this variant is likely to affect gene or protein function. Given the available evidence, this variant is classified as Likely Pathogenic.

Fulgent Genetics
Classification: Likely pathogenic for Usher syndrome type 1; Autosomal recessive nonsyndromic hearing loss 2; Autosomal dominant nonsyndromic hearing loss 11. Last evaluated: 2024-01-15. Review status: criteria provided, single submitter. Criteria: ACMG Guidelines, 2015. Collection method: clinical testing. Allele origin: germline. Not counted in ClinVar's aggregate classification.

CeGaT Center for Human Genetics Tuebingen
Classification: Likely pathogenic. Last evaluated: 2023-12-01. Review status: criteria provided, single submitter. Criteria: CeGaT Center For Human Genetics Tuebingen Variant Classification Criteria Version 2. Collection method: clinical testing. Allele origin: germline. Affected: yes. Observed: 1 variant allele. Not counted in ClinVar's aggregate classification.
Comment: MYO7A: PM3:Strong, PP4:Moderate, PM2:Supporting, PP3

Blueprint Genetics
Classification: Pathogenic for MYO7A-related disorders. Last evaluated: 2020-02-03. Review status: criteria provided, single submitter. Criteria: ACMG Guidelines, 2015. Collection method: clinical testing. Allele origin: germline. Affected: yes. Observed: 5 variant alleles. Not counted in ClinVar's aggregate classification.

Laboratory for Molecular Medicine, Mass General Brigham Personalized Medicine
Classification: Likely pathogenic for Usher syndrome. Last evaluated: 2019-03-13. Review status: criteria provided, single submitter. Criteria: LMM Criteria. Collection method: clinical testing. Allele origin: germline. Inheritance: Autosomal recessive inheritance. Observed: 4 variant alleles. Not counted in ClinVar's aggregate classification.
Comment: The p.Ser211Gly variant in MYO7A has been reported in 3 individuals with clinical features of Usher syndrome (Zhao 2015; LMM internal data). It has also been identified in 0.005% (7/128370) of European chromosomes by the Genome Aggregation Database (gnomAD; rs111033486). Although this variant has been seen in the general population, its frequency is low enough to be consistent with a recessive carrier frequency. Computational prediction tools and conservation analysis suggest that this variant may impact the protein. In summary, although additional studies are required to fully establish its clinical significance, this variant meets criteria to be classified as likely pathogenic for autosomal recessive Usher syndrome. ACMG/AMP Criteria applied: PM3_Strong, PM2, PP3, PP4

Counsyl
Classification: Uncertain significance for Usher syndrome type 1; Autosomal recessive nonsyndromic hearing loss 2. Last evaluated: 2018-01-02. Review status: no assertion criteria provided. Collection method: clinical testing. Allele origin: unknown. Not counted in ClinVar's aggregate classification.

Literature cited by the submitters: PubMed 25472526 (cited by 4 submitters); PubMed 38219857 (cited by Natera, Inc.); PubMed 24831256 (cited by Laboratory for Molecular Medicine, Mass General Brigham Personalized Medicine).